The following is an entry in ClinVar:

ClinVar aggregate classification (germline): Uncertain significance. Review status: criteria provided, multiple submitters, no conflicts (2 of 4 stars). 2 submissions from 2 submitters: Uncertain significance (2). Last evaluated 2026-05-11.

Conditions:
NRP1-related disorder. Also called: NRP1-related condition.

gnomAD v4.1: 9 of 1,613,908 alleles (0.00056%); highest among the groups gnomAD compares: African/African-American, 0.011%; no homozygotes.

Submissions (2):

PreventionGenetics, part of Exact Sciences
Classification: Uncertain significance for NRP1-related condition. Last evaluated: 2026-05-11. Review status: criteria provided, single submitter. Criteria: ACMG Guidelines, 2015. Collection method: clinical testing. Allele origin: germline.
Comment: The NRP1 c.1342A>G variant is predicted to result in the amino acid substitution p.Thr448Ala. To our knowledge, this variant has not been reported in the literature. This variant is reported in 0.025% of alleles in individuals of African descent in gnomAD. At this time, the clinical significance of this variant is uncertain due to the absence of conclusive functional and genetic evidence.

Ambry Genetics
Classification: Uncertain significance. Last evaluated: 2025-04-11. Review status: criteria provided, single submitter. Criteria: Ambry Variant Classification Scheme 2023. Collection method: clinical testing. Allele origin: germline.

NM_003873.7(NRP1):c.1342A>G (p.Thr448Ala)

Gene: NRP1 (neuropilin 1; minus strand). Cytogenetic location: 10p11.22.
Variant type: single nucleotide variant.
Coding change: c.1342A>G on transcript NM_003873.7 (MANE Select); coding-DNA position 1342, A replaced by G.
Protein change: p.Thr448Ala; replaces threonine 448 with alanine.
Molecular consequence: missense variant. On other transcripts: non-coding transcript variant (1).
Genome position (GRCh38, 1-based): chr10:33,213,658, T>C on the plus strand (A>G on the coding strand, the complement: NRP1 is on the minus strand). VCF-style: chr10-33213658-T-C. GRCh37 (hg19) VCF-style: chr10-33502586-T-C.
Other names: c.1342A>G, p.Thr448Ala (NM_001024628.3, NM_001024629.3, NM_001244972.2 and 2 more transcripts); short protein forms T448A.
Identifiers: ClinVar variation 3921902 (VCV003921902.2).